The following is an entry in ClinVar:

NM_000443.4(ABCB4):c.2947G>A (p.Gly983Ser)

Gene: ABCB4 (ATP binding cassette subfamily B member 4; minus strand). Cytogenetic location: 7q21.12.
Variant type: single nucleotide variant.
Coding change: c.2947G>A on transcript NM_000443.4 (MANE Select); coding-DNA position 2947, G replaced by A.
Protein change: p.Gly983Ser; replaces glycine 983 with serine.
Molecular consequence: missense variant.
Genome position (GRCh38, 1-based): chr7:87,409,370, C>T on the plus strand (G>A on the coding strand, the complement: ABCB4 is on the minus strand). VCF-style: chr7-87409370-C-T. GRCh37 (hg19) VCF-style: chr7-87038686-C-T.
Other names: c.2947G>A, p.Gly983Ser (NM_018849.3); c.2806G>A, p.Gly936Ser (NM_018850.3); short protein forms G936S, G983S.
Identifiers: ClinVar variation 4689742 (VCV004689742.2).
Genomic context (GRCh38, chr7:87,409,370, plus strand): 5'-ACAGCTTAGCTTTAGCATAGTCTGGAGCAAATGAACTGGCATGTCCTAGAGCCACTGCAC[C>T]AAATACAATTGCAGAAAACACCCTAGACAGAAGTAGAGGAATTCAAAAATTAGCTTTTAT-3'
Protein context (NP_000434.1, residues 973-993): VILVFSAIVF[Gly983Ser]AVALGHASSF

ClinVar aggregate classification (germline): Uncertain significance. Review status: criteria provided, multiple submitters, no conflicts (2 of 4 stars). 2 submissions from 2 submitters: Uncertain significance (2). Last evaluated 2026-04-14.

Conditions:
Familial intrahepatic cholestasis. Identifiers: Orphanet 284385, MedGen CN296401, MONDO:0017290.

gnomAD v4.1: 6 of 1,614,008 alleles (0.00037%); highest among the groups gnomAD compares: Non-Finnish European, 0.00051%; no homozygotes.

Submissions (2):

Genomenon, Inc
Classification: Uncertain significance for Familial intrahepatic cholestasis. Last evaluated: 2026-04-14. Review status: criteria provided, single submitter. Criteria: Genomenon Sequence Variant Interpretation Standards - Updated. Collection method: curation. Allele origin: germline. Affected: yes.
Comment: ABCB4 p.Gly983Ser (c.2947G>A) is a missense variant that changes the amino acid at residue 983 from Glycine to Serine. This variant has been observed in at least one proband with an ABCB4-related disorder (PMID:11313315). It has been observed in trans with a pathogenic or likely pathogenic variant (PMID:11313315). It is absent or not present at a significant frequency in gnomAD. In conclusion, we classify ABCB4 p.Gly983Ser (c.2947G>A) as a variant of uncertain significance.

Women's Health and Genetics/Laboratory Corporation of America, LabCorp
Classification: Uncertain significance. Last evaluated: 2026-01-23. Review status: criteria provided, single submitter. Criteria: LabCorp Variant Classification Summary - May 2015. Collection method: clinical testing. Allele origin: germline.
Comment: Variant summary: ABCB4 c.2947G>A (p.Gly983Ser) results in a non-conservative amino acid change in the encoded protein sequence. Algorithms developed to predict the effect of missense changes on protein structure and function are either unavailable or do not agree on the potential impact of this missense change. The variant allele was found at a frequency of 8e-06 in 251198 control chromosomes. The available data on variant occurrences in the general population are insufficient to allow any conclusion about variant significance. c.2947G>A has been observed in the presumed compound heterozygous state in at least 1 individual(s) affected with Progressive Familial Intrahepatic Cholestasis (example, Gonzales_2023, Jacquemin_2001). These data do not allow any conclusion about variant significance. To our knowledge, no experimental evidence demonstrating an impact on protein function has been reported. The following publications have been ascertained in the context of this evaluation (PMID: 20422496, 15975683, 28587926, 40110281, 19840255, 37701337, 32626542, 36550572, 24651380, 16622704, 11313315). No submitters have cited clinical-significance assessments for this variant to ClinVar. Based on the evidence outlined above, the variant was classified as uncertain significance.

Literature cited by the submitters: PubMed 11313315 (cited by Genomenon, Inc and Women's Health and Genetics/Laboratory Corporation of America, LabCorp); PubMed 20422496 (cited by Women's Health and Genetics/Laboratory Corporation of America, LabCorp); PubMed 28587926 (cited by Women's Health and Genetics/Laboratory Corporation of America, LabCorp); PubMed 32626542 (cited by Women's Health and Genetics/Laboratory Corporation of America, LabCorp); PubMed 15975683 (cited by Women's Health and Genetics/Laboratory Corporation of America, LabCorp); PubMed 19840255 (cited by Women's Health and Genetics/Laboratory Corporation of America, LabCorp); PubMed 36550572 (cited by Women's Health and Genetics/Laboratory Corporation of America, LabCorp); PubMed 40110281 (cited by Women's Health and Genetics/Laboratory Corporation of America, LabCorp); PubMed 37701337 (cited by Women's Health and Genetics/Laboratory Corporation of America, LabCorp); PubMed 16622704 (cited by Women's Health and Genetics/Laboratory Corporation of America, LabCorp); PubMed 24651380 (cited by Women's Health and Genetics/Laboratory Corporation of America, LabCorp).